The following is an entry in ClinVar:

NM_007294.4(BRCA1):c.4085del (p.Asp1362fs)

Genes: BRCA1 (BRCA1 DNA repair associated; minus strand), LOC126862571 (BRD4-independent group 4 enhancer GRCh37_chr17:41243136-41244335; plus strand). Cytogenetic location: 17q21.31.
Variant type: Deletion.
Coding change: c.4085del on transcript NM_007294.4 (MANE Select); coding-DNA position 4085, one base deleted (A; older notation c.4085delA).
Protein change: p.Asp1362fs; shifts the reading frame from aspartic acid 1362.
Molecular consequence: frameshift variant. On other transcripts: intron variant (135).
Genome position (GRCh38, 1-based): chr17:43,091,446, T deleted on the plus strand (A on the coding strand, the reverse complement: BRCA1 is on the minus strand). VCF-style (leftmost placement, unchanged base first): chr17-43091445-AT-A. GRCh37 (hg19) VCF-style: chr17-41243462-AT-A.
Other names: 4204delA; c.3881del, p.Asp1294fs (NM_001407875.1, NM_001407874.1); c.3875del, p.Asp1292fs (NM_001407879.1, NM_001407881.1, NM_001407882.1 and 13 more transcripts); c.3872del, p.Asp1291fs (NM_001407894.1, NM_001407895.1, NM_001407896.1 and 9 more transcripts); c.3962del, p.Asp1321fs (NM_001407919.1, NM_001407937.1, NM_001407938.1 and 19 more transcripts); c.3821del, p.Asp1274fs (NM_001407920.1, NM_001407921.1, NM_001407922.1 and 9 more transcripts); c.3818del, p.Asp1273fs (NM_001407930.1, NM_001407931.1, NM_001407932.1 and 2 more transcripts); c.3959del, p.Asp1320fs (NM_001407940.1, NM_001407941.1, NM_001407649.1 and 11 more transcripts); and 42 more; short protein forms D1315fs, D1362fs, D1066fs, D1194fs, D1291fs, D1295fs, D1361fs, D1250fs.
Identifiers: ClinVar variation 55100 (VCV000055100.3), dbSNP rs80357737, ClinGen allele CA002611.

ClinVar aggregate classification (germline): Pathogenic. Review status: reviewed by expert panel (3 of 4 stars). 2 submissions from 2 submitters: Pathogenic (1). 1 of the submissions does not count toward it. Last evaluated 2016-09-08.

Conditions:
Breast-ovarian cancer, familial, susceptibility to, 1 (BROVCA1). Also called: BRCA1 Hereditary Breast and Ovarian Cancer; OVARIAN CANCER, SUSCEPTIBILITY TO. Identifiers: Orphanet 145, MedGen C2676676, MONDO:0011450, OMIM 604370. Disease mechanism: loss of function.

Submissions (2):

Evidence-based Network for the Interpretation of Germline Mutant Alleles (ENIGMA)
Classification: Pathogenic for Breast-ovarian cancer, familial, susceptibility to, 1. Last evaluated: 2016-09-08. Review status: reviewed by expert panel. Criteria: ENIGMA BRCA1/2 Classification Criteria (2015). Collection method: curation. Allele origin: germline.
Comment: Variant allele predicted to encode a truncated non-functional protein.

Breast Cancer Information Core (BIC) (BRCA1)
Classification: Pathogenic for Breast-ovarian cancer, familial 1. Last evaluated: 2003-12-23. Review status: no assertion criteria provided. Collection method: clinical testing. Allele origin: germline. Affected: yes. Observed: 1 variant allele. Not counted in ClinVar's aggregate classification.